The following is an entry in ClinVar:

ClinVar aggregate classification (germline): Pathogenic (1 of 4 stars; one submission).

Conditions:
Polycystic kidney disease, adult type (PKD1). Also called: Polycystic Kidney Disease 1, Autosomal Dominant; Polycystic kidney disease 1; Polycystic kidney disease 1, severe; POLYCYSTIC KIDNEY DISEASE, ADULT, TYPE I; Polycystic Kidney, Autosomal Dominant; POLYCYSTIC KIDNEY DISEASE 1 WITH OR WITHOUT POLYCYSTIC LIVER DISEASE. Identifiers: MedGen C3149841, MONDO:0008263, OMIM 173900.

Submission:

Victorian Clinical Genetics Services, Murdoch Childrens Research Institute
Classification: Pathogenic for Polycystic kidney disease, adult type. Last evaluated: 2026-04-08. Review status: criteria provided, single submitter. Criteria: ACMG Guidelines, 2015. Collection method: clinical testing. Allele origin: germline. Affected: yes.
Comment: This variant is classified as Pathogenic. Evidence in support of pathogenic classification: Variant is predicted to cause nonsense-mediated decay (NMD) and loss of protein (premature termination codon is located at least 54 nucleotides upstream of the final exon-exon junction); Variant is absent from gnomAD (v2, v3 and v4); Other NMD-predicted variants comparable to the one identified in this case have very strong previous evidence for pathogenicity (DECIPHER). Additional information: This variant is heterozygous; This gene is associated with autosomal dominant disease. Polycystic kidney disease 1 (MIM#173900) is predominantly caused by monoallelic variants, with rare reports of biallelic variants causing disease (OMIM); Loss of function is a known mechanism of disease in this gene and is associated with polycystic kidney disease 1 (MIM#173900); Inheritance information for this variant is not currently available in this individual.

NM_001009944.3(PKD1):c.10330_10333del (p.His3444fs)

Gene: PKD1 (polycystin 1, transient receptor potential channel interacting; minus strand). Cytogenetic location: 16p13.3.
Variant type: Deletion.
Coding change: c.10330_10333del on transcript NM_001009944.3 (MANE Select); coding-DNA positions 10330 to 10333, 4 bases deleted (CATG; older notation c.10330_10333delCATG).
Protein change: p.His3444fs; shifts the reading frame from histidine 3444.
Molecular consequence: frameshift variant.
Genome position (GRCh38, 1-based): chr16:2,097,391-2,097,394, CATG deleted on the plus strand (CATG on the coding strand, the reverse complement: PKD1 is on the minus strand). VCF-style (leftmost placement, unchanged base first): chr16-2097390-CCATG-C. GRCh37 (hg19) VCF-style: chr16-2147391-CCATG-C.
Other names: c.10327_10330del, p.His3443fs (NM_000296.4); short protein forms H3443fs, H3444fs.
Identifiers: ClinVar variation 4879607 (VCV004879607.1).